The following is an entry in ClinVar:

ClinVar aggregate classification (germline): Likely benign. Review status: criteria provided, multiple submitters, no conflicts (2 of 4 stars). 4 submissions from 4 submitters: Likely benign (3). 1 of the submissions does not count toward it. Last evaluated 2026-01-11.

Conditions:
MYO7A-related disorder. Also called: MYO7A-related disorders.
Usher syndrome type 1B (USH1B). Also called: Usher syndrome type IB. Identifiers: MedGen C1848638, MONDO:0700087.

Allele frequency attached by ClinVar (database versions not stated): gnomAD exomes 0.00004; ExAC 0.00006; ESP Exome Variant Server 0.00015; gnomAD 0.00015 and 0.00016; TOPMed 0.00017.
gnomAD v4.1: 54 of 1,613,872 alleles (0.0033%); highest among the groups gnomAD compares: African/African-American, 0.047%; no homozygotes.

Submissions (4):

Labcorp Genetics (formerly Invitae), Labcorp
Classification: Likely benign. Last evaluated: 2026-01-11. Review status: criteria provided, single submitter. Criteria: Invitae Variant Classification Sherloc (09022015). Collection method: clinical testing. Allele origin: germline.

PreventionGenetics, part of Exact Sciences
Classification: Likely benign for MYO7A-related condition. Last evaluated: 2025-06-25. Review status: criteria provided, single submitter. Criteria: ACMG Guidelines, 2015. Collection method: clinical testing. Allele origin: germline.
Comment: This variant is classified as likely benign based on ACMG/AMP sequence variant interpretation guidelines (Richards et al. 2015 PMID: 25741868, with internal and published modifications).

Blueprint Genetics
Classification: Likely benign. Last evaluated: 2022-11-07. Review status: criteria provided, single submitter. Criteria: ACMG Guidelines, 2015. Collection method: clinical testing. Allele origin: germline.

Natera, Inc.
Classification: Likely benign for Usher syndrome type 1B. Last evaluated: 2020-02-05. Review status: no assertion criteria provided. Collection method: clinical testing. Allele origin: germline. Not counted in ClinVar's aggregate classification.

NM_000260.4(MYO7A):c.6309C>T (p.Leu2103=)

Gene: MYO7A (myosin VIIA; plus strand). Cytogenetic location: 11q13.5.
Variant type: single nucleotide variant.
Coding change: c.6309C>T on transcript NM_000260.4 (MANE Select); coding-DNA position 6309, C replaced by T.
Protein change: p.Leu2103=; no amino-acid change (leucine 2103 retained).
Molecular consequence: synonymous variant.
Genome position (GRCh38, 1-based): chr11:77,211,892, C>T. VCF-style: chr11-77211892-C-T. GRCh37 (hg19) VCF-style: chr11-76922937-C-T.
Other names: c.6195C>T, p.Leu2065= (NM_001127180.2); c.6162C>T, p.Leu2054= (NM_001369365.1).
Identifiers: ClinVar variation 727467 (VCV000727467.12), dbSNP rs371789765, ClinGen allele CA6198994.